The following is an entry in ClinVar:

NM_001844.5(COL2A1):c.1376G>C (p.Gly459Ala)

Gene: COL2A1 (collagen type II alpha 1 chain; minus strand). Cytogenetic location: 12q13.11.
Variant type: single nucleotide variant.
Coding change: c.1376G>C on transcript NM_001844.5 (MANE Select); coding-DNA position 1376, G replaced by C.
Protein change: p.Gly459Ala; replaces glycine 459 with alanine.
Molecular consequence: missense variant.
Genome position (GRCh38, 1-based): chr12:47,986,878, C>G on the plus strand (G>C on the coding strand, the complement: COL2A1 is on the minus strand). VCF-style: chr12-47986878-C-G. GRCh37 (hg19) VCF-style: chr12-48380661-C-G.
Other names: c.1169G>C, p.Gly390Ala (NM_033150.3); short protein forms G390A, G459A.
Identifiers: ClinVar variation 2764985 (VCV002764985.4), dbSNP rs2540150901, ClinGen allele CA384553388.

ClinVar aggregate classification (germline): Likely pathogenic. Review status: criteria provided, multiple submitters, no conflicts (2 of 4 stars). 2 submissions from 2 submitters: Likely pathogenic (2). Last evaluated 2023-10-04.

Conditions:
COL2A1-related disorder. Also called: COL2A1-related condition; COL2A1-related disorders.

Submissions (2):

Labcorp Genetics (formerly Invitae), Labcorp
Classification: Likely pathogenic. Last evaluated: 2023-10-04. Review status: criteria provided, single submitter. Criteria: Invitae Variant Classification Sherloc (09022015). Collection method: clinical testing. Allele origin: germline.
Comment: This sequence change replaces glycine, which is neutral and non-polar, with alanine, which is neutral and non-polar, at codon 459 of the COL2A1 protein (p.Gly459Ala). This variant is not present in population databases (gnomAD no frequency). This variant has not been reported in the literature in individuals affected with COL2A1-related conditions. Advanced modeling of protein sequence and biophysical properties (such as structural, functional, and spatial information, amino acid conservation, physicochemical variation, residue mobility, and thermodynamic stability) performed at Invitae indicates that this missense variant is expected to disrupt COL2A1 protein function. This variant disrupts the triple helix domain of COL2A1. Glycine residues within the Gly-Xaa-Yaa repeats of the triple helix domain are required for the structure and stability of fibrillar collagens (PMID: 7695699, 8218237, 19344236). In COL2A1, variants affecting these glycine residues are significantly enriched in individuals with disease (PMID: 9016532, 17078022) compared to the general population (ExAC). In summary, the currently available evidence indicates that the variant is pathogenic, but additional data are needed to prove that conclusively. Therefore, this variant has been classified as Likely Pathogenic.

Blueprint Genetics
Classification: Likely pathogenic for COL2A1-related disorders. Last evaluated: 2023-10-03. Review status: criteria provided, single submitter. Criteria: ACMG Guidelines, 2015. Collection method: clinical testing. Allele origin: germline. Affected: yes. Observed: 1 variant allele.

Literature cited by the submitters: PubMed 7695699 (cited by Labcorp Genetics (formerly Invitae), Labcorp); PubMed 8218237 (cited by Labcorp Genetics (formerly Invitae), Labcorp); PubMed 19344236 (cited by Labcorp Genetics (formerly Invitae), Labcorp); PubMed 9016532 (cited by Labcorp Genetics (formerly Invitae), Labcorp); PubMed 17078022 (cited by Labcorp Genetics (formerly Invitae), Labcorp).